The following is an entry in ClinVar:

NM_024675.4(PALB2):c.734del (p.Ala245fs)

Gene: PALB2 (partner and localizer of BRCA2; minus strand). Cytogenetic location: 16p12.2.
Variant type: Deletion.
Coding change: c.734del on transcript NM_024675.4 (MANE Select); coding-DNA position 734, one base deleted (C; older notation c.734delC).
Protein change: p.Ala245fs; shifts the reading frame from alanine 245.
Molecular consequence: frameshift variant.
Genome position (GRCh38, 1-based): chr16:23,635,812, G deleted on the plus strand (C on the coding strand, the reverse complement: PALB2 is on the minus strand). VCF-style (leftmost placement, unchanged base first): chr16-23635811-CG-C. GRCh37 (hg19) VCF-style: chr16-23647132-CG-C.
Other names: short protein forms A245fs.
Identifiers: ClinVar variation 1383325 (VCV001383325.9), dbSNP rs2142436112, ClinGen allele CA2573152210.

ClinVar aggregate classification (germline): Pathogenic/Likely pathogenic. Review status: criteria provided, multiple submitters, no conflicts (2 of 4 stars). 4 submissions from 4 submitters: Pathogenic (2); Likely pathogenic (2). Last evaluated 2025-02-16.

Conditions:
Familial cancer of breast. Also called: BREAST CANCER, FAMILIAL; hereditary breast carcinoma; Hereditary breast cancer. Identifiers: Orphanet 227535, MedGen C0346153, MONDO:0016419, OMIM 114480. Disease mechanism: loss of function.
PALB2-related disorder. Also called: PALB2-related disorders; PALB2-related condition.

Submissions (4):

Laboratory of Genetics, Children's Clinical University Hospital Latvia
Classification: Likely pathogenic. Last evaluated: 2025-02-16. Review status: criteria provided, single submitter. Criteria: ACMG Guidelines, 2015. Collection method: clinical testing. Allele origin: germline. Affected: yes.

Myriad Genetics, Inc.
Classification: Pathogenic for Familial cancer of breast. Last evaluated: 2023-09-07. Review status: criteria provided, single submitter. Criteria: Myriad Autosomal Dominant, Autosomal Recessive and X-Linked Classification Criteria (2023). Collection method: clinical testing. Allele origin: unknown.
Comment: This variant is considered pathogenic. This variant creates a frameshift predicted to result in premature protein truncation.

Blueprint Genetics
Classification: Likely pathogenic for PALB2-related disorders. Last evaluated: 2022-02-28. Review status: criteria provided, single submitter. Criteria: ACMG Guidelines, 2015. Collection method: clinical testing. Allele origin: germline. Affected: yes. Observed: 1 variant allele.

Labcorp Genetics (formerly Invitae), Labcorp
Classification: Pathogenic for Familial cancer of breast. Last evaluated: 2021-05-20. Review status: criteria provided, single submitter. Criteria: Invitae Variant Classification Sherloc (09022015). Collection method: clinical testing. Allele origin: germline.
Comment: For these reasons, this variant has been classified as Pathogenic. This variant has not been reported in the literature in individuals with PALB2-related conditions. This variant is not present in population databases (ExAC no frequency). This sequence change creates a premature translational stop signal (p.Ala245Glyfs*34) in the PALB2 gene. It is expected to result in an absent or disrupted protein product. Loss-of-function variants in PALB2 are known to be pathogenic (PMID: 17200668, 24136930, 25099575).

Literature cited by the submitters: PubMed 17200668 (cited by Labcorp Genetics (formerly Invitae), Labcorp); PubMed 24136930 (cited by Labcorp Genetics (formerly Invitae), Labcorp); PubMed 25099575 (cited by Labcorp Genetics (formerly Invitae), Labcorp).